The following is an entry in ClinVar:

NM_152703.5(SAMD9L):c.4718T>A (p.Ile1573Asn)

Gene: SAMD9L (sterile alpha motif domain containing 9 like; minus strand). Cytogenetic location: 7q21.2.
Variant type: single nucleotide variant.
Coding change: c.4718T>A on transcript NM_152703.5 (MANE Select); coding-DNA position 4718, T replaced by A.
Protein change: p.Ile1573Asn; replaces isoleucine 1573 with asparagine.
Molecular consequence: missense variant.
Genome position (GRCh38, 1-based): chr7:93,131,254, A>T on the plus strand (T>A on the coding strand, the complement: SAMD9L is on the minus strand). VCF-style: chr7-93131254-A-T. GRCh37 (hg19) VCF-style: chr7-92760567-A-T.
Other names: c.4718T>A (NM_152703.2); c.4718T>A, p.Ile1573Asn (NM_001303496.3, NM_001303497.3, NM_001303498.3 and 5 more transcripts); short protein forms I1573N.
Identifiers: ClinVar variation 1320475 (VCV001320475.10), dbSNP rs371764964, ClinGen allele CA4343256.

ClinVar aggregate classification (germline): Conflicting classifications of pathogenicity. Review status: criteria provided, conflicting classifications (1 of 4 stars). 3 submissions from 3 submitters: Uncertain significance (1); Likely benign (2). Last evaluated 2026-01-23.

Conditions:
Inborn genetic diseases. Identifiers: MedGen C0950123, MeSH D030342.

gnomAD v4.1: 100 of 1,585,940 alleles (0.0063%); highest among the groups gnomAD compares: South Asian, 0.11%; no homozygotes.

Submissions (3):

Labcorp Genetics (formerly Invitae), Labcorp
Classification: Likely benign. Last evaluated: 2026-01-23. Review status: criteria provided, single submitter. Criteria: Invitae Variant Classification Sherloc (09022015). Collection method: clinical testing. Allele origin: germline.

Ambry Genetics
Classification: Likely benign for Inborn genetic diseases. Last evaluated: 2024-12-01. Review status: criteria provided, single submitter. Criteria: Ambry Variant Classification Scheme 2023. Collection method: clinical testing. Allele origin: germline.

GeneDx
Classification: Uncertain significance. Last evaluated: 2020-02-11. Review status: criteria provided, single submitter. Criteria: GeneDx Variant Classification Process June 2021. Collection method: clinical testing. Allele origin: germline. Affected: yes.
Comment: In silico analysis supports that this missense variant has a deleterious effect on protein structure/function; Has not been previously published as pathogenic or benign to our knowledge